The following is an entry in ClinVar:

ClinVar aggregate classification (germline): Uncertain significance (1 of 4 stars; one submission).

gnomAD v4.1: 3 of 1,613,958 alleles (0.00019%); highest among the groups gnomAD compares: Admixed American, 0.0017%; no homozygotes.

Submission:

GeneDx
Classification: Uncertain significance. Last evaluated: 2024-07-17. Review status: criteria provided, single submitter. Criteria: GeneDx Variant Classification Process June 2021. Collection method: clinical testing. Allele origin: germline. Affected: yes.
Comment: Not observed at significant frequency in large population cohorts (gnomAD); In silico analysis supports that this missense variant has a deleterious effect on protein structure/function; Has not been previously published as pathogenic or benign to our knowledge

NM_001130823.3(DNMT1):c.3590A>G (p.Asn1197Ser)

Gene: DNMT1 (DNA methyltransferase 1; minus strand). Cytogenetic location: 19p13.2.
Variant type: single nucleotide variant.
Coding change: c.3590A>G on transcript NM_001130823.3 (MANE Select); coding-DNA position 3590, A replaced by G.
Protein change: p.Asn1197Ser; replaces asparagine 1197 with serine.
Molecular consequence: missense variant.
Genome position (GRCh38, 1-based): chr19:10,140,262, T>C on the plus strand (A>G on the coding strand, the complement: DNMT1 is on the minus strand). VCF-style: chr19-10140262-T-C. GRCh37 (hg19) VCF-style: chr19-10250938-T-C.
Other names: c.3542A>G, p.Asn1181Ser (NM_001318730.2, NM_001379.4); c.3227A>G, p.Asn1076Ser (NM_001318731.2); short protein forms N1076S, N1181S, N1197S.
Identifiers: ClinVar variation 3573755 (VCV003573755.1).